The following is an entry in ClinVar:

NM_002541.4(OGDH):c.7C>T (p.His3Tyr)

Gene: OGDH (oxoglutarate dehydrogenase; plus strand). Cytogenetic location: 7p13.
Variant type: single nucleotide variant.
Coding change: c.7C>T on transcript NM_002541.4 (MANE Select); coding-DNA position 7, C replaced by T.
Protein change: p.His3Tyr; replaces histidine 3 with tyrosine.
Molecular consequence: missense variant.
Genome position (GRCh38, 1-based): chr7:44,624,350, C>T. VCF-style: chr7-44624350-C-T. GRCh37 (hg19) VCF-style: chr7-44663949-C-T.
Other names: p.His3Tyr; c.7C>T, p.His3Tyr (NM_001003941.3, NM_001165036.2, NM_001363523.2); short protein forms H3Y.
Identifiers: ClinVar variation 1355335 (VCV001355335.6), dbSNP rs113587743, ClinGen allele CA4243442.

ClinVar aggregate classification (germline): Conflicting classifications of pathogenicity. Review status: criteria provided, conflicting classifications (1 of 4 stars). 3 submissions from 3 submitters: Uncertain significance (2); Likely benign (1). Last evaluated 2025-10-07.

Conditions:
Oxoglutaricaciduria. Identifiers: Orphanet 31, MedGen C2752074, MONDO:0008759, OMIM 203740.

Allele frequency attached by ClinVar (database versions not stated): ExAC 0.00059; gnomAD exomes 0.00089; ESP Exome Variant Server 0.00146; 1000 Genomes Project 0.00020.
gnomAD v4.1: 2,729 of 1,130,772 alleles (0.24%); highest among the groups gnomAD compares: Non-Finnish European, 0.29%; 5 homozygotes.

Submissions (3):

Mayo Clinic Laboratories, Mayo Clinic
Classification: Likely benign. Last evaluated: 2025-10-07. Review status: criteria provided, single submitter. Criteria: ACMG Guidelines, 2015. Collection method: clinical testing. Allele origin: germline. Observed: 1 variant allele.
Comment: BS2, BP4_moderate

Labcorp Genetics (formerly Invitae), Labcorp
Classification: Uncertain significance for Oxoglutaricaciduria. Last evaluated: 2024-10-07. Review status: criteria provided, single submitter. Criteria: Invitae Variant Classification Sherloc (09022015). Collection method: clinical testing. Allele origin: germline.
Comment: This sequence change replaces histidine, which is basic and polar, with tyrosine, which is neutral and polar, at codon 3 of the OGDH protein (p.His3Tyr). This variant is present in population databases (rs113587743, gnomAD 0.2%), including at least one homozygous and/or hemizygous individual. This variant has not been reported in the literature in individuals affected with OGDH-related conditions. ClinVar contains an entry for this variant (Variation ID: 1355335). An algorithm developed to predict the effect of missense changes on protein structure and function (PolyPhen-2) suggests that this variant¬†is likely to be tolerated. In summary, the available evidence is currently insufficient to determine the role of this variant in disease. Therefore, it has been classified as a Variant of Uncertain Significance.

Breakthrough Genomics
Classification: Uncertain significance. Review status: criteria provided, single submitter. Criteria: ACMG Guidelines, 2015. Collection method: not provided. Allele origin: germline. Inheritance: Autosomal recessive inheritance. Affected: yes.